The following is an entry in ClinVar:

ClinVar aggregate classification (germline): Likely pathogenic (1 of 4 stars; one submission).

Conditions:
Koolen-de Vries syndrome (KDVS). Identifiers: Orphanet 96169, MedGen C1864871, MONDO:0012496, OMIM 610443.

Submission:

MVZ Medizinische Genetik Mainz
Classification: Likely pathogenic for Koolen-de Vries syndrome. Last evaluated: 2024-01-30. Review status: criteria provided, single submitter. Criteria: UK Practice Guidelines For Variant Classification V4 01 2020. Collection method: clinical testing. Allele origin: germline. Inheritance: Autosomal dominant inheritance. Affected: yes. Observed: 1 variant allele.
Comment: ACMG Criteria: PVS1,PM2_SUP

NM_015443.4(KANSL1):c.2801G>A (p.Trp934Ter)

Gene: KANSL1 (KAT8 regulatory NSL complex subunit 1). Cytogenetic location: 17q21.31.
Variant type: single nucleotide variant.
Coding change: c.2801G>A on transcript NM_015443.4 (MANE Select); coding-DNA position 2801, G replaced by A.
Protein change: p.Trp934Ter; replaces tryptophan 934 with a stop codon.
Molecular consequence: nonsense.
Genome position (GRCh38, 1-based): chr17:46,033,116, C>T on the plus strand (G>A on the coding strand, the complement: KANSL1 is on the minus strand). VCF-style: chr17-46033116-C-T. GRCh37 (hg19) VCF-style: chr17-44110482-C-T.
Other names: c.2798G>A, p.Trp933Ter (NM_001193465.2, NM_001405856.1, NM_001405857.1 and 1 more transcripts); c.2801G>A, p.Trp934Ter (NM_001193466.2, NM_001379198.1, NM_001405854.1 and 4 more transcripts); c.2699G>A, p.Trp900Ter (NM_001405859.1, NM_001405860.1); c.2696G>A, p.Trp899Ter (NM_001405861.1, NM_001405881.1); c.2612G>A, p.Trp871Ter (NM_001405875.1, NM_001405876.1, NM_001405877.1 and 1 more transcripts); c.2609G>A, p.Trp870Ter (NM_001405879.1, NM_001405880.1); c.1535G>A, p.Trp512Ter (NM_001405882.1); c.1532G>A, p.Trp511Ter (NM_001405883.1); and 2 more; short protein forms W448*, W449*, W511*, W512*, W870*, W871*, W899*, W900*.
Identifiers: ClinVar variation 3236254 (VCV003236254.1), dbSNP rs1470562852, ClinGen allele CA399987568.